The following is an entry in ClinVar:

NM_000064.4(C3):c.3993A>G (p.Thr1331=)

Gene: C3 (complement C3; minus strand). Cytogenetic location: 19p13.3.
Variant type: single nucleotide variant.
Coding change: c.3993A>G on transcript NM_000064.4 (MANE Select); coding-DNA position 3993, A replaced by G.
Protein change: p.Thr1331=; no amino-acid change (threonine 1331 retained).
Molecular consequence: synonymous variant.
Genome position (GRCh38, 1-based): chr19:6,684,811, T>C on the plus strand (A>G on the coding strand, the complement: C3 is on the minus strand). VCF-style: chr19-6684811-T-C. GRCh37 (hg19) VCF-style: chr19-6684822-T-C.
Other names: c.3993A>G (LRG_27t1).
Identifiers: ClinVar variation 330289 (VCV000330289.13), dbSNP rs202210310, ClinGen allele CA9128556.

ClinVar aggregate classification (germline): Conflicting classifications of pathogenicity. Review status: criteria provided, conflicting classifications (1 of 4 stars). 5 submissions from 3 submitters: Uncertain significance (3); Benign (1); Likely benign (1). Last evaluated 2025-12-15.

Conditions:
Atypical hemolytic-uremic syndrome with C3 anomaly. Also called: AHUS, SUSCEPTIBILITY TO, 5. Identifiers: Orphanet 2134, MedGen C2752037, MONDO:0013043, OMIM 612925.
Age related macular degeneration 9. Identifiers: MedGen C1969651, MONDO:0012659, OMIM 611378.
Complement component 3 deficiency. Identifiers: Orphanet 280133, MedGen C3151071, MONDO:0013417, OMIM 613779.

Allele frequency attached by ClinVar (database versions not stated): gnomAD 0.00001 and 0.00005; TOPMed 0.00002; gnomAD exomes 0.00004 and 0.00010; ExAC 0.00007; 1000 Genomes Project 0.00060; 1000 Genomes Project 30x 0.00062.
gnomAD v4.1: 86 of 1,614,216 alleles (0.0053%); highest among the groups gnomAD compares: South Asian, 0.052%; 1 homozygote.

Submissions (5):

Labcorp Genetics (formerly Invitae), Labcorp
Classification: Likely benign. Last evaluated: 2025-12-15. Review status: criteria provided, single submitter. Criteria: Invitae Variant Classification Sherloc (09022015). Collection method: clinical testing. Allele origin: germline.

Blueprint Genetics
Classification: Uncertain significance. Last evaluated: 2024-08-27. Review status: criteria provided, single submitter. Criteria: ACMG Guidelines, 2015. Collection method: clinical testing. Allele origin: germline.

Illumina Laboratory Services, Illumina
Classification: Benign for Atypical hemolytic-uremic syndrome with C3 anomaly. Last evaluated: 2018-01-13. Review status: criteria provided, single submitter. Criteria: ICSL Variant Classification Criteria 13 December 2019. Collection method: clinical testing. Allele origin: germline.
Comment: This variant was observed in the ICSL laboratory as part of a predisposition screen in an ostensibly healthy population. It had not been previously curated by ICSL or reported in the Human Gene Mutation Database (HGMD: prior to June 1st, 2018), and was therefore a candidate for classification through an automated scoring system. Utilizing variant allele frequency, disease prevalence and penetrance estimates, and inheritance mode, an automated score was calculated to assess if this variant is too frequent to cause the disease. Based on the score and internal cut-off values, a variant classified as benign is not then subjected to further curation. The score for this variant resulted in a classification of benign for this disease.

Illumina Laboratory Services, Illumina
Classification: Uncertain significance for Complement component 3 deficiency. Last evaluated: 2018-01-13. Review status: criteria provided, single submitter. Criteria: ICSL Variant Classification Criteria 13 December 2019. Collection method: clinical testing. Allele origin: germline.

Illumina Laboratory Services, Illumina
Classification: Uncertain significance for Age related macular degeneration 9. Last evaluated: 2018-01-13. Review status: criteria provided, single submitter. Criteria: ICSL Variant Classification Criteria 13 December 2019. Collection method: clinical testing. Allele origin: germline.